The following is an entry in ClinVar:

NM_005120.3(MED12):c.5198G>A (p.Arg1733Gln)

Gene: MED12 (mediator complex subunit 12; plus strand). Cytogenetic location: Xq13.1.
Variant type: single nucleotide variant.
Coding change: c.5198G>A on transcript NM_005120.3 (MANE Select); coding-DNA position 5198, G replaced by A.
Protein change: p.Arg1733Gln; replaces arginine 1733 with glutamine.
Molecular consequence: missense variant.
Genome position (GRCh38, 1-based): chrX:71,136,453, G>A. VCF-style: chrX-71136453-G-A. GRCh37 (hg19) VCF-style: chrX-70356303-G-A.
Other names: c.5198G>A (NM_005120.2); short protein forms R1733Q.
Identifiers: ClinVar variation 978837 (VCV000978837.13), dbSNP rs754537871, ClinGen allele CA10444752.

ClinVar aggregate classification (germline): Conflicting classifications of pathogenicity. Review status: criteria provided, conflicting classifications (1 of 4 stars). 4 submissions from 4 submitters: Uncertain significance (2); Likely benign (2). Last evaluated 2026-09-01.

Conditions:
Familial thoracic aortic aneurysm and aortic dissection (TAAD). Also called: Thoracic aortic aneurysms and dissections. Identifiers: Orphanet 91387, MedGen C4707243, MONDO:0019625.
FG syndrome (FGS). Identifiers: MedGen C0220769, MONDO:0002010.
Intellectual disability. Also called: Intellectual developmental disorder; Intellectual functioning disability; intellectual disabilities. Identifiers: MedGen C3714756, MeSH D008607, MONDO:0001071, HP:0001249.

Allele frequency attached by ClinVar (database versions not stated): ExAC 0.00001; gnomAD 0.00001; gnomAD exomes 0.00001 and 0.00002; TOPMed 0.00002.
gnomAD v4.1: 11 of 1,209,486 alleles (0.00091%); highest among the groups gnomAD compares: African/African-American, 0.0017%; no homozygotes.

Submissions (4):

CeGaT Center for Human Genetics Tuebingen
Classification: Likely benign. Last evaluated: 2026-09-01. Review status: criteria provided, single submitter. Criteria: CeGaT Center For Human Genetics Tuebingen Variant Classification Criteria Version 2. Collection method: clinical testing. Allele origin: germline. Affected: yes. Observed: 1 variant allele.
Comment: MED12: BS2

Labcorp Genetics (formerly Invitae), Labcorp
Classification: Likely benign for FG syndrome. Last evaluated: 2024-07-24. Review status: criteria provided, single submitter. Criteria: Invitae Variant Classification Sherloc (09022015). Collection method: clinical testing. Allele origin: germline.

Ambry Genetics
Classification: Uncertain significance for Familial thoracic aortic aneurysm and aortic dissection. Last evaluated: 2021-08-27. Review status: criteria provided, single submitter. Criteria: Ambry Variant Classification Scheme 2023. Collection method: clinical testing. Allele origin: germline.

Diagnostic Laboratory, Strasbourg University Hospital
Classification: Uncertain significance for Intellectual disability. Last evaluated: 2020-04-20. Review status: criteria provided, single submitter. Criteria: ACMG Guidelines, 2015. Collection method: clinical testing. Allele origin: maternal. Inheritance: X-linked inheritance. Affected: yes. Observed: 1 hemizygote.